The following is an entry in ClinVar:

NM_000368.5(TSC1):c.1929del (p.Ser644fs)

Gene: TSC1 (TSC complex subunit 1; minus strand). Cytogenetic location: 9q34.13.
Variant type: Deletion.
Coding change: c.1929del on transcript NM_000368.5 (MANE Select); coding-DNA position 1929, one base deleted (C; older notation c.1929delC).
Protein change: p.Ser644fs; shifts the reading frame from serine 644.
Molecular consequence: frameshift variant. On other transcripts: non-coding transcript variant (5).
Genome position (GRCh38, 1-based): chr9:132,905,649, G deleted on the plus strand (C on the coding strand, the reverse complement: TSC1 is on the minus strand); the first of 2 consecutive G bases (chr9:132,905,649-132,905,650); deleting either gives the same sequence. VCF-style (leftmost placement, unchanged base first): chr9-132905648-AG-A. GRCh37 (hg19) VCF-style: chr9-135781035-AG-A.
Other names: c.1926del, p.Ser643fs (NM_001162426.2, NM_001406597.1, NM_001406598.1 and 6 more transcripts); c.1776del, p.Ser593fs (NM_001162427.2, NM_001406610.1); c.1566del, p.Ser523fs (NM_001362177.2, NM_001406614.1, NM_001406615.1 and 5 more transcripts); c.1929del, p.Ser644fs (NM_001406592.1, NM_001406593.1, NM_001406594.1 and 7 more transcripts); c.1773del, p.Ser592fs (NM_001406611.1, NM_001406612.1, NM_001406613.1); c.1563del, p.Ser522fs (NM_001406620.1, NM_001406621.1, NM_001406622.1 and 2 more transcripts); c.978del, p.Ser327fs (NM_001406626.1); c.975del, p.Ser326fs (NM_001406627.1, NM_001406628.1); and 1 more; short protein forms S523fs, S593fs, S643fs, S644fs, S293fs, S326fs, S327fs, S522fs.
Identifiers: ClinVar variation 1676312 (VCV001676312.8), dbSNP rs2131812351, ClinGen allele CA2573144272.

ClinVar aggregate classification (germline): Pathogenic. Review status: criteria provided, multiple submitters, no conflicts (2 of 4 stars). 2 submissions from 2 submitters: Pathogenic (2). Last evaluated 2022-11-09.

Conditions:
Tuberous sclerosis 1 (TSC1). Identifiers: Orphanet 805, MedGen C1854465, MONDO:0008612, OMIM 191100.

Submissions (2):

Institute of Human Genetics, University of Goettingen
Classification: Pathogenic for Tuberous sclerosis 1. Last evaluated: 2022-11-09. Review status: criteria provided, single submitter. Criteria: ACMG Guidelines, 2015. Collection method: clinical testing. Allele origin: unknown. Inheritance: Autosomal dominant inheritance. Affected: yes. Observed: 1 heterozygote.
Comment: The variant c.1929del (p.(Ser644Profs*9)) in exon 15 of the TSC1 gene is not found in the gnomAD database and creates a frame shift starting at codon Ser644. The new reading frame ends in a STOP codon at position 9. Frame shift mutations within this gene are a known mechanism of disease. ACMG criteria used for classification: PVS1, PM2, PM6.

Labcorp Genetics (formerly Invitae), Labcorp
Classification: Pathogenic for Tuberous sclerosis 1. Last evaluated: 2022-04-16. Review status: criteria provided, single submitter. Criteria: Invitae Variant Classification Sherloc (09022015). Collection method: clinical testing. Allele origin: germline.
Comment: For these reasons, this variant has been classified as Pathogenic. This variant has not been reported in the literature in individuals affected with TSC1-related conditions. This variant is not present in population databases (gnomAD no frequency). This sequence change creates a premature translational stop signal (p.Ser644Profs*9) in the TSC1 gene. It is expected to result in an absent or disrupted protein product. Loss-of-function variants in TSC1 are known to be pathogenic (PMID: 10227394, 17304050).

Literature cited by the submitters: PubMed 10227394 (cited by Labcorp Genetics (formerly Invitae), Labcorp); PubMed 17304050 (cited by Labcorp Genetics (formerly Invitae), Labcorp).